The following is an entry in ClinVar:

ClinVar aggregate classification (germline): Likely benign. Review status: criteria provided, multiple submitters, no conflicts (2 of 4 stars). 5 submissions from 5 submitters: Likely benign (5). Last evaluated 2025-11-10.

Conditions:
Fanconi anemia complementation group P. Also called: SLX4-Related Fanconi Anemia. Identifiers: Orphanet 84, MedGen C3469542, MONDO:0013499, OMIM 613951.
Fanconi anemia (FA). Also called: Fanconi's anemia. Identifiers: Orphanet 84, MedGen C0015625, MeSH D005199, MONDO:0019391.

Allele frequency attached by ClinVar (database versions not stated): 1000 Genomes Project 30x 0.00031; gnomAD exomes 0.00004 and 0.00006; ExAC 0.00005; TOPMed 0.00005; gnomAD 0.00007 and 0.00008; ESP Exome Variant Server 0.00008; 1000 Genomes Project 0.00020.
gnomAD v4.1: 71 of 1,588,214 alleles (0.0045%); highest among the groups gnomAD compares: Middle Eastern, 0.017%; no homozygotes.

Submissions (5):

Labcorp Genetics (formerly Invitae), Labcorp
Classification: Likely benign for Fanconi anemia. Last evaluated: 2025-11-10. Review status: criteria provided, single submitter. Criteria: Invitae Variant Classification Sherloc (09022015). Collection method: clinical testing. Allele origin: germline.

CeGaT Center for Human Genetics Tuebingen
Classification: Likely benign. Last evaluated: 2024-07-01. Review status: criteria provided, single submitter. Criteria: CeGaT Center For Human Genetics Tuebingen Variant Classification Criteria Version 2. Collection method: clinical testing. Allele origin: germline. Affected: yes. Observed: 2 variant alleles.
Comment: SLX4: BP4, BP7

Fulgent Genetics
Classification: Likely benign for Fanconi anemia complementation group P. Last evaluated: 2021-11-19. Review status: criteria provided, single submitter. Criteria: ACMG Guidelines, 2015. Collection method: clinical testing. Allele origin: unknown.

Sema4
Classification: Likely benign for Fanconi anemia. Last evaluated: 2021-03-22. Review status: criteria provided, single submitter. Criteria: Sema4 Curation Guidelines. Collection method: curation. Allele origin: germline.

GeneDx
Classification: Likely benign. Last evaluated: 2019-09-26. Review status: criteria provided, single submitter. Criteria: GeneDx Variant Classification Process June 2021. Collection method: clinical testing. Allele origin: germline. Affected: yes.
Comment: See Variant Classification Assertion Criteria.

NM_032444.4(SLX4):c.4344C>T (p.Pro1448=)

Gene: SLX4 (SLX4 structure-specific endonuclease subunit; minus strand). Cytogenetic location: 16p13.3.
Variant type: single nucleotide variant.
Coding change: c.4344C>T on transcript NM_032444.4 (MANE Select); coding-DNA position 4344, C replaced by T.
Protein change: p.Pro1448=; no amino-acid change (proline 1448 retained).
Molecular consequence: synonymous variant.
Genome position (GRCh38, 1-based): chr16:3,589,294, G>A on the plus strand (C>T on the coding strand, the complement: SLX4 is on the minus strand). VCF-style: chr16-3589294-G-A. GRCh37 (hg19) VCF-style: chr16-3639295-G-A.
Identifiers: ClinVar variation 698488 (VCV000698488.28), dbSNP rs368388100, ClinGen allele CA7865679.